The following is an entry in ClinVar:

ClinVar aggregate classification (germline): Likely pathogenic (1 of 4 stars; one submission).

Conditions:
Axenfeld-Rieger syndrome type 3 (RIEG3). Also called: AXENFELD-RIEGER ANOMALY WITH CARDIAC DEFECTS AND/OR SENSORINEURAL HEARING LOSS. Identifiers: Orphanet 782, MedGen C2678503, MONDO:0011233, OMIM 602482.

Submission:

3billion
Classification: Likely pathogenic for Axenfeld-Rieger syndrome type 3. Last evaluated: 2022-05-22. Review status: criteria provided, single submitter. Criteria: ACMG Guidelines, 2015. Collection method: clinical testing. Allele origin: germline. Affected: yes. Observed: 1 heterozygote.
Comment: The variant is not observed in the gnomAD v2.1.1 dataset. Stop-gained (nonsense): predicted to result in a loss or disruption of normal protein function through protein truncation. The predicted truncated protein may be shortened by more than 10%. The variant has been reported to be associated with FOXC1 related disorder (PMID: 12592227). Therefore, this variant is classified as likely pathogenic according to the recommendation of ACMG/AMP guideline.

Literature cited by the submitters: PubMed 12592227.

NM_001453.3(FOXC1):c.4C>T (p.Gln2Ter)

Gene: FOXC1 (forkhead box C1; plus strand). Cytogenetic location: 6p25.3.
Variant type: single nucleotide variant.
Coding change: c.4C>T on transcript NM_001453.3 (MANE Select); coding-DNA position 4, C replaced by T.
Protein change: p.Gln2Ter; replaces glutamine 2 with a stop codon.
Molecular consequence: nonsense.
Genome position (GRCh38, 1-based): chr6:1,610,449, C>T. VCF-style: chr6-1610449-C-T. GRCh37 (hg19) VCF-style: chr6-1610684-C-T.
Other names: short protein forms Q2*.
Identifiers: ClinVar variation 1687317 (VCV001687317.1), dbSNP rs867581817, ClinGen allele CA362557870.
Genomic context (GRCh38, chr6:1,610,449, plus strand): 5'-CGGCCCGAGCGAGGGTGGGGGGCGGCGGGCGGCGCGGGGCGGCGGCGAGCGGGGGCCATG[C>T]AGGCGCGCTACTCCGTGTCCAGCCCCAACTCCCTGGGAGTGGTGCCCTACCTCGGCGGCG-3'